The following is an entry in ClinVar:

ClinVar aggregate classification (germline): Uncertain significance. Review status: criteria provided, multiple submitters, no conflicts (2 of 4 stars). 2 submissions from 2 submitters: Uncertain significance (2). Last evaluated 2023-12-30.

Allele frequency attached by ClinVar (database versions not stated): gnomAD exomes below 0.00001.
gnomAD v4.1: 4 of 1,614,130 alleles (0.00025%); highest among the groups gnomAD compares: Non-Finnish European, 0.00025%; no homozygotes.

Submissions (2):

Labcorp Genetics (formerly Invitae), Labcorp
Classification: Uncertain significance. Last evaluated: 2023-12-30. Review status: criteria provided, single submitter. Criteria: Invitae Variant Classification Sherloc (09022015). Collection method: clinical testing. Allele origin: germline.
Comment: This sequence change replaces isoleucine, which is neutral and non-polar, with threonine, which is neutral and polar, at codon 1118 of the MTOR protein (p.Ile1118Thr). This variant is not present in population databases (gnomAD no frequency). This variant has not been reported in the literature in individuals affected with MTOR-related conditions. Advanced modeling of protein sequence and biophysical properties (such as structural, functional, and spatial information, amino acid conservation, physicochemical variation, residue mobility, and thermodynamic stability) performed at Invitae indicates that this missense variant is not expected to disrupt MTOR protein function with a negative predictive value of 95%. In summary, the available evidence is currently insufficient to determine the role of this variant in disease. Therefore, it has been classified as a Variant of Uncertain Significance.

Blueprint Genetics
Classification: Uncertain significance. Last evaluated: 2022-07-12. Review status: criteria provided, single submitter. Criteria: ACMG Guidelines, 2015. Collection method: clinical testing. Allele origin: germline.

NM_004958.4(MTOR):c.3353T>C (p.Ile1118Thr)

Gene: MTOR (mechanistic target of rapamycin kinase; minus strand). Cytogenetic location: 1p36.22.
Variant type: single nucleotide variant.
Coding change: c.3353T>C on transcript NM_004958.4 (MANE Select); coding-DNA position 3353, T replaced by C.
Protein change: p.Ile1118Thr; replaces isoleucine 1118 with threonine.
Molecular consequence: missense variant.
Genome position (GRCh38, 1-based): chr1:11,212,841, A>G on the plus strand (T>C on the coding strand, the complement: MTOR is on the minus strand). VCF-style: chr1-11212841-A-G. GRCh37 (hg19) VCF-style: chr1-11272898-A-G.
Other names: c.3353T>C, p.Ile1118Thr (NM_001386500.1); c.2105T>C, p.Ile702Thr (NM_001386501.1); short protein forms I702T, I1118T.
Identifiers: ClinVar variation 2869755 (VCV002869755.4), dbSNP rs1646353971, ClinGen allele CA338374256.